The following is an entry in ClinVar:

NM_000498.3(CYP11B2):c.743T>C (p.Ile248Thr)

Genes: CYP11B2 (cytochrome P450 family 11 subfamily B member 2; minus strand), LOC106799834 (CYP11B2 recombination region; plus strand). Cytogenetic location: 8q24.3.
Variant type: single nucleotide variant.
Coding change: c.743T>C on transcript NM_000498.3 (MANE Select); coding-DNA position 743, T replaced by C.
Protein change: p.Ile248Thr; replaces isoleucine 248 with threonine.
Molecular consequence: missense variant.
Genome position (GRCh38, 1-based): chr8:142,914,761, A>G on the plus strand (T>C on the coding strand, the complement: CYP11B2 is on the minus strand). VCF-style: chr8-142914761-A-G. GRCh37 (hg19) VCF-style: chr8-143996177-A-G.
Other names: p.Ile248Thr; short protein forms I248T.
Identifiers: ClinVar variation 783026 (VCV000783026.20), dbSNP rs4547, ClinGen allele CA4906107.

ClinVar aggregate classification (germline): Conflicting classifications of pathogenicity. Review status: criteria provided, conflicting classifications (1 of 4 stars). 9 submissions from 7 submitters: Uncertain significance (2); Benign (3); Likely benign (1). 3 of the submissions do not count toward it. Last evaluated 2026-08-01.

Conditions:
Corticosterone methyl oxidase type II deficiency.
Corticosterone 18-monooxygenase deficiency. Also called: ALDOSTERONE DEFICIENCY DUE TO DEFECT IN STEROID 18-HYDROXYLASE; ALDOSTERONE DEFICIENCY I; CMO I DEFICIENCY; STEROID 18-HYDROXYLASE DEFICIENCY; 18 Hydroxylase deficiency; Aldosterone deficiency due to defect in 18 hydroxylase. Identifiers: Orphanet 427, MedGen C0268293, MONDO:0008751, OMIM 203400. Disease mechanism: loss of function.
Corticosterone methyloxidase type 2 deficiency. Also called: 18-OXIDASE DEFICIENCY; ALDOSTERONE DEFICIENCY DUE TO DEFICIENCY OF STEROID 18-OXIDASE; ALDOSTERONE DEFICIENCY II; CMO II DEFICIENCY; STEROID 18-OXIDASE DEFICIENCY. Identifiers: Orphanet 427, MedGen C3463917, MONDO:0012524, OMIM 610600. Disease mechanism: loss of function.
Glucocorticoid-remediable aldosteronism. Also called: ACTH-DEPENDENT HYPERALDOSTERONISM SYNDROME; ALDOSTERONISM, SENSITIVE TO DEXAMETHASONE; FH I; GLUCOCORTICOID-SUPPRESSIBLE HYPERALDOSTERONISM; Hyperaldosteronism, familial, type I. Identifiers: Orphanet 403, MedGen C3838731, MONDO:0007080, OMIM 103900.

Allele frequency attached by ClinVar (database versions not stated): ExAC 0.00042; gnomAD exomes 0.00110; 1000 Genomes Project 30x 0.00468; gnomAD 0.00577 and 0.00598.
gnomAD v4.1: 2,195 of 1,608,510 alleles (0.14%); highest among the groups gnomAD compares: African/African-American, 1.2%; 29 homozygotes.

Submissions (9):

CeGaT Center for Human Genetics Tuebingen
Classification: Benign. Last evaluated: 2026-08-01. Review status: criteria provided, single submitter. Criteria: CeGaT Center For Human Genetics Tuebingen Variant Classification Criteria Version 2. Collection method: clinical testing. Allele origin: germline. Affected: yes. Observed: 1 variant allele.
Comment: CYP11B2: BP4, BS1, BS2

Labcorp Genetics (formerly Invitae), Labcorp
Classification: Likely benign. Last evaluated: 2026-01-28. Review status: criteria provided, single submitter. Criteria: Invitae Variant Classification Sherloc (09022015). Collection method: clinical testing. Allele origin: germline.

Mayo Clinic Laboratories, Mayo Clinic
Classification: Benign. Last evaluated: 2023-10-10. Review status: criteria provided, single submitter. Criteria: ACMG Guidelines, 2015. Collection method: clinical testing. Allele origin: germline. Observed: 3 variant alleles.
Comment: BS1, BS2, BS3_supporting, BP4

Illumina Laboratory Services, Illumina
Classification: Benign for Hyperaldosteronism, familial, type I. Last evaluated: 2018-01-13. Review status: criteria provided, single submitter. Criteria: ICSL Variant Classification Criteria 13 December 2019. Collection method: clinical testing. Allele origin: germline.
Comment: This variant was observed in the ICSL laboratory as part of a predisposition screen in an ostensibly healthy population. It had not been previously curated by ICSL or reported in the Human Gene Mutation Database (HGMD: prior to June 1st, 2018), and was therefore a candidate for classification through an automated scoring system. Utilizing variant allele frequency, disease prevalence and penetrance estimates, and inheritance mode, an automated score was calculated to assess if this variant is too frequent to cause the disease. Based on the score and internal cut-off values, a variant classified as benign is not then subjected to further curation. The score for this variant resulted in a classification of benign for this disease.

Illumina Laboratory Services, Illumina
Classification: Uncertain significance for Corticosterone methyloxidase type 2 deficiency. Last evaluated: 2018-01-13. Review status: criteria provided, single submitter. Criteria: ICSL Variant Classification Criteria 13 December 2019. Collection method: clinical testing. Allele origin: germline.

Illumina Laboratory Services, Illumina
Classification: Uncertain significance for Corticosterone 18-monooxygenase deficiency. Last evaluated: 2018-01-13. Review status: criteria provided, single submitter. Criteria: ICSL Variant Classification Criteria 13 December 2019. Collection method: clinical testing. Allele origin: germline.

Natera, Inc.
Classification: Uncertain significance for Corticosterone methyl oxidase type II deficiency. Last evaluated: 2020-01-12. Review status: no assertion criteria provided. Collection method: clinical testing. Allele origin: germline. Not counted in ClinVar's aggregate classification.

Genome Diagnostics Laboratory, University Medical Center Utrecht
Classification: Likely benign. Review status: no assertion criteria provided. Collection method: clinical testing. Allele origin: germline. Affected: yes. Study: VKGL Data-share Consensus. Not counted in ClinVar's aggregate classification.

Joint Genome Diagnostic Labs from Nijmegen and Maastricht, Radboudumc and MUMC+
Classification: Likely benign. Review status: no assertion criteria provided. Collection method: clinical testing. Allele origin: germline. Affected: yes. Study: VKGL Data-share Consensus. Not counted in ClinVar's aggregate classification.

Literature cited by the submitters: PubMed 10720073 (cited by Mayo Clinic Laboratories, Mayo Clinic).